The following is an entry in ClinVar:

NM_000168.6(GLI3):c.3741G>T (p.Gln1247His)

Gene: GLI3 (GLI family zinc finger 3; minus strand). Cytogenetic location: 7p14.1.
Variant type: single nucleotide variant.
Coding change: c.3741G>T on transcript NM_000168.6 (MANE Select); coding-DNA position 3741, G replaced by T.
Protein change: p.Gln1247His; replaces glutamine 1247 with histidine.
Molecular consequence: missense variant.
Genome position (GRCh38, 1-based): chr7:41,965,332, C>A on the plus strand (G>T on the coding strand, the complement: GLI3 is on the minus strand). VCF-style: chr7-41965332-C-A. GRCh37 (hg19) VCF-style: chr7-42004930-C-A.
Other names: short protein forms Q1247H.
Identifiers: ClinVar variation 1302575 (VCV001302575.2), dbSNP rs769289785, ClinGen allele CA367317154.

ClinVar aggregate classification (germline): Uncertain significance (1 of 4 stars; one submission).

Allele frequency attached by ClinVar (database versions not stated): TOPMed 0.00001.

Submission:

GeneDx
Classification: Uncertain significance. Last evaluated: 2019-06-25. Review status: criteria provided, single submitter. Criteria: GeneDx Variant Classification Process June 2021. Collection method: clinical testing. Allele origin: germline. Affected: yes.
Comment: Not observed in large population cohorts (Lek et al., 2016); In silico analysis, which includes protein predictors and evolutionary conservation, supports that this variant does not alter protein structure/function; Has not been previously published as pathogenic or benign to our knowledge